The following is an entry in ClinVar:

NM_007294.4(BRCA1):c.4096G>C (p.Gly1366Arg)

Genes: BRCA1 (BRCA1 DNA repair associated; minus strand), LOC126862571 (BRD4-independent group 4 enhancer GRCh37_chr17:41243136-41244335; plus strand). Cytogenetic location: 17q21.31.
Variant type: single nucleotide variant.
Coding change: c.4096G>C on transcript NM_007294.4 (MANE Select); coding-DNA position 4096, G replaced by C.
Protein change: p.Gly1366Arg; replaces glycine 1366 with arginine.
Molecular consequence: missense variant. On other transcripts: intron variant (135).
Genome position (GRCh38, 1-based): chr17:43,091,435, C>G on the plus strand (G>C on the coding strand, the complement: BRCA1 is on the minus strand). VCF-style: chr17-43091435-C-G. GRCh37 (hg19) VCF-style: chr17-41243452-C-G.
Other names: c.3883G>C, p.Gly1295Arg (NM_001407571.1, NM_001407853.1, NM_001407894.1 and 9 more transcripts); c.4096G>C, p.Gly1366Arg (NM_001407581.1, NM_001407582.1, NM_001407583.1 and 30 more transcripts); c.4093G>C, p.Gly1365Arg (NM_001407587.1, NM_001407590.1, NM_001407591.1 and 22 more transcripts); c.4087G>C, p.Gly1363Arg (NM_001407646.1, NM_001407647.1); c.3973G>C, p.Gly1325Arg (NM_001407648.1, NM_001407664.1, NM_001407665.1 and 19 more transcripts); c.3970G>C, p.Gly1324Arg (NM_001407649.1, NM_001407670.1, NM_001407671.1 and 11 more transcripts); c.4018G>C, p.Gly1340Arg (NM_001407653.1, NM_001407654.1, NM_001407655.1 and 4 more transcripts); c.4015G>C, p.Gly1339Arg (NM_001407659.1, NM_001407660.1, NM_001407661.1 and 1 more transcripts); and 41 more; short protein forms G1366R, G1319R, G1070R, G1198R, G1238R, G1255R, G1295R, G1299R.
Identifiers: ClinVar variation 441362 (VCV000441362.15), dbSNP rs431825405, ClinGen allele CA10593767.
Genomic context (GRCh38, chr17:43,091,435, plus strand): 5'-AAACATTTAGCTCACTTCTATAAATAGACTGGGGCAAACACAAAAACCTGGTTCCAATAC[C>G]TAAGTTTGAATCCATGCTTTGCTCTTCTTGATTATTTTCTTCCAAGCCCGTTCCTCTTTC-3'
Protein context (NP_009225.1, residues 1356-1376): QEEQSMDSNL[Gly1366Arg]EAASGCESET

ClinVar aggregate classification (germline): Uncertain significance. Review status: criteria provided, multiple submitters, no conflicts (2 of 4 stars). 2 submissions from 2 submitters: Uncertain significance (2). Last evaluated 2026-02-18.

Conditions:
Hereditary breast ovarian cancer syndrome. Also called: Breast and ovarian cancer; BRCA1- and BRCA2-Associated Hereditary Breast and Ovarian Cancer; Hereditary breast and ovarian cancer; Hereditary breast and/or ovarian cancer syndrome; Hereditary breast and ovarian cancer syndrome; Hereditary breast and ovarian cancer syndrome (HBOC). Identifiers: Orphanet 145, MedGen C0677776, MeSH D061325, MONDO:0003582. Disease mechanism: loss of function.
Hereditary cancer-predisposing syndrome. Also called: Neoplastic Syndromes, Hereditary; Tumor predisposition; Hereditary neoplastic syndrome; Hereditary Cancer Syndrome. Identifiers: Orphanet 140162, MedGen C0027672, MeSH D009386, MONDO:0015356.

Submissions (2):

Ambry Genetics
Classification: Uncertain significance for Hereditary cancer-predisposing syndrome. Last evaluated: 2026-02-18. Review status: criteria provided, single submitter. Criteria: Ambry Variant Classification Scheme 2023. Collection method: clinical testing. Allele origin: germline.
Comment: The c.4096G>C variant (also known as p.G1366R), located in coding exon 9 of the BRCA1 gene, results from a G to C substitution at nucleotide position 4096. The glycine at codon 1366 is replaced by arginine, an amino acid with dissimilar properties. However, this change occurs in the last base pair of coding exon 9, which makes it likely to have some effect on normal mRNA splicing. This nucleotide position is highly conserved in available vertebrate species. This amino acid position is well conserved in available vertebrate species. In silico splice site analysis predicts that this alteration will weaken the native splice donor site. In addition, as a missense substitution, the in silico prediction for this alteration is inconclusive. Based on the available evidence, the clinical significance of this variant remains unclear.

Labcorp Genetics (formerly Invitae), Labcorp
Classification: Uncertain significance for Hereditary breast ovarian cancer syndrome. Last evaluated: 2018-06-07. Review status: criteria provided, single submitter. Criteria: Invitae Variant Classification Sherloc (09022015). Collection method: clinical testing. Allele origin: germline.
Comment: In summary, the available evidence is currently insufficient to determine the role of this variant in disease. Therefore, it has been classified as a Variant of Uncertain Significance. Nucleotide substitutions within the consensus splice site are a relatively common cause of aberrant splicing (PMID: 17576681, 9536098). Algorithms developed to predict the effect of sequence changes on RNA splicing suggest that this variant may disrupt the consensus splice site, but this prediction has not been confirmed by published transcriptional studies. Algorithms developed to predict the effect of missense changes on protein structure and function are either unavailable or do not agree on the potential impact of this missense change (SIFT: "Tolerated"; PolyPhen-2: "Possibly Damaging"; Align-GVGD: "Class C0"). This variant has not been reported in the literature in individuals with BRCA1-related disease. ClinVar contains an entry for this variant (Variation ID: 441362). This variant is not present in population databases (ExAC no frequency). This sequence change replaces glycine with arginine at codon 1366 of the BRCA1 protein (p.Gly1366Arg). The glycine residue is moderately conserved and there is a moderate physicochemical difference between glycine and arginine. This variant also falls at the last nucleotide of exon 10 of the BRCA1 coding sequence, which is part of the consensus splice site for this exon.

Literature cited by the submitters: PubMed 17576681 (cited by Labcorp Genetics (formerly Invitae), Labcorp); PubMed 9536098 (cited by Labcorp Genetics (formerly Invitae), Labcorp).